The following is an entry in ClinVar:

ClinVar aggregate classification (germline): Uncertain significance. Review status: criteria provided, multiple submitters, no conflicts (2 of 4 stars). 2 submissions from 2 submitters: Uncertain significance (2). Last evaluated 2024-01-21.

Conditions:
Familial focal epilepsy with variable foci (FPEVF). Identifiers: Orphanet 98820, MedGen C1858477, MONDO:0020310.

Allele frequency attached by ClinVar (database versions not stated): gnomAD exomes below 0.00001 and 0.00001.
gnomAD v4.1: 3 of 1,612,338 alleles (0.00019%); highest among the groups gnomAD compares: Non-Finnish European, 0.00025%; no homozygotes.

Submissions (2):

Labcorp Genetics (formerly Invitae), Labcorp
Classification: Uncertain significance for Familial focal epilepsy with variable foci. Last evaluated: 2024-01-21. Review status: criteria provided, single submitter. Criteria: Invitae Variant Classification Sherloc (09022015). Collection method: clinical testing. Allele origin: germline.
Comment: This sequence change replaces serine, which is neutral and polar, with asparagine, which is neutral and polar, at codon 1459 of the DEPDC5 protein (p.Ser1459Asn). The frequency data for this variant in the population databases is considered unreliable, as metrics indicate poor data quality at this position in the gnomAD database. This variant has not been reported in the literature in individuals affected with DEPDC5-related conditions. ClinVar contains an entry for this variant (Variation ID: 623989). Algorithms developed to predict the effect of missense changes on protein structure and function output the following: SIFT: "Not Available"; PolyPhen-2: "Not Available"; Align-GVGD: "Not Available". The asparagine amino acid residue is found in multiple mammalian species, which suggests that this missense change does not adversely affect protein function. In summary, the available evidence is currently insufficient to determine the role of this variant in disease. Therefore, it has been classified as a Variant of Uncertain Significance.

CeGaT Center for Human Genetics Tuebingen
Classification: Uncertain significance. Last evaluated: 2018-09-01. Review status: criteria provided, single submitter. Criteria: CeGaT Center For Human Genetics Tuebingen Variant Classification Criteria Version 2. Collection method: clinical testing. Allele origin: germline. Affected: yes. Observed: 1 variant allele.

NM_001242896.3(DEPDC5):c.4376G>A (p.Ser1459Asn)

Gene: DEPDC5 (DEP domain containing 5, GATOR1 subcomplex subunit; plus strand). Cytogenetic location: 22q12.3.
Variant type: single nucleotide variant.
Coding change: c.4376G>A on transcript NM_001242896.3 (MANE Select); coding-DNA position 4376, G replaced by A.
Protein change: p.Ser1459Asn; replaces serine 1459 with asparagine.
Molecular consequence: missense variant. On other transcripts: non-coding transcript variant (5).
Genome position (GRCh38, 1-based): chr22:31,901,742, G>A. VCF-style: chr22-31901742-G-A. GRCh37 (hg19) VCF-style: chr22-32297728-G-A.
Other names: c.4349G>A, p.Ser1450Asn (NM_001136029.4); c.4076G>A, p.Ser1359Asn (NM_001242897.2); c.4310G>A, p.Ser1437Asn (NM_001363852.2, NM_001364320.2); c.4142G>A, p.Ser1381Asn (NM_001363854.2, NM_001364319.2); c.4376G>A, p.Ser1459Asn (NM_001364318.2); c.4292G>A, p.Ser1431Asn (NM_001369901.1, NM_001369902.1); c.4283G>A, p.Ser1428Asn (NM_001369903.1, NM_014662.6); short protein forms S1359N, S1431N, S1450N, S1381N, S1437N, S1459N, S1428N.
Identifiers: ClinVar variation 623989 (VCV000623989.50), dbSNP rs1245607244, ClinGen allele CA411290346.